The following is an entry in ClinVar:

NM_005720.4(ARPC1B):c.52A>C (p.Lys18Gln)

Gene: ARPC1B (actin related protein 2/3 complex subunit 1B; plus strand). Cytogenetic location: 7q22.1.
Variant type: single nucleotide variant.
Coding change: c.52A>C on transcript NM_005720.4 (MANE Select); coding-DNA position 52, A replaced by C.
Protein change: p.Lys18Gln; replaces lysine 18 with glutamine.
Molecular consequence: missense variant.
Genome position (GRCh38, 1-based): chr7:99,385,766, A>C. VCF-style: chr7-99385766-A-C. GRCh37 (hg19) VCF-style: chr7-98983389-A-C.
Other names: c.52A>C (NM_005720.3); short protein forms K18Q.
Identifiers: ClinVar variation 1416166 (VCV001416166.9), dbSNP rs755884757, ClinGen allele CA4363858.

ClinVar aggregate classification (germline): Uncertain significance. Review status: criteria provided, multiple submitters, no conflicts (2 of 4 stars). 3 submissions from 3 submitters: Uncertain significance (3). Last evaluated 2026-05-09.

Conditions:
ARPC1B-related disorder. Also called: ARPC1B-related condition.
Inborn genetic diseases. Identifiers: MedGen C0950123, MeSH D030342.

Allele frequency attached by ClinVar (database versions not stated): ExAC 0.00001; gnomAD 0.00001 and 0.00002; gnomAD exomes 0.00001 and 0.00002; TOPMed 0.00001.
gnomAD v4.1: 21 of 1,610,182 alleles (0.0013%); highest among the groups gnomAD compares: Middle Eastern, 0.049%; no homozygotes.

Submissions (3):

PreventionGenetics, part of Exact Sciences
Classification: Uncertain significance for ARPC1B-related condition. Last evaluated: 2026-05-09. Review status: criteria provided, single submitter. Criteria: ACMG Guidelines, 2015. Collection method: clinical testing. Allele origin: germline.
Comment: The ARPC1B c.52A>C variant is predicted to result in the amino acid substitution p.Lys18Gln. To our knowledge, this variant has not been reported in the literature. This variant is reported in 0.0040% of alleles in individuals of European (Non-Finnish) descent in gnomAD. At this time, the clinical significance of this variant is uncertain due to the absence of conclusive functional and genetic evidence.

Labcorp Genetics (formerly Invitae), Labcorp
Classification: Uncertain significance. Last evaluated: 2024-10-24. Review status: criteria provided, single submitter. Criteria: Invitae Variant Classification Sherloc (09022015). Collection method: clinical testing. Allele origin: germline.
Comment: This sequence change replaces lysine, which is basic and polar, with glutamine, which is neutral and polar, at codon 18 of the ARPC1B protein (p.Lys18Gln). This variant is present in population databases (rs755884757, gnomAD 0.004%). This variant has not been reported in the literature in individuals affected with ARPC1B-related conditions. ClinVar contains an entry for this variant (Variation ID: 1416166). Invitae Evidence Modeling of protein sequence and biophysical properties (such as structural, functional, and spatial information, amino acid conservation, physicochemical variation, residue mobility, and thermodynamic stability) indicates that this missense variant is not expected to disrupt ARPC1B protein function with a negative predictive value of 80%. In summary, the available evidence is currently insufficient to determine the role of this variant in disease. Therefore, it has been classified as a Variant of Uncertain Significance.

Ambry Genetics
Classification: Uncertain significance for Inborn genetic diseases. Last evaluated: 2021-07-15. Review status: criteria provided, single submitter. Criteria: Ambry Variant Classification Scheme 2023. Collection method: clinical testing. Allele origin: germline.